The following is an entry in ClinVar:

NM_001370100.5(ZMYND11):c.125C>G (p.Ser42Cys)

Gene: ZMYND11 (zinc finger MYND-type containing 11; plus strand). Cytogenetic location: 10p15.3.
Variant type: single nucleotide variant.
Coding change: c.125C>G on transcript NM_001370100.5 (MANE Select); coding-DNA position 125, C replaced by G.
Protein change: p.Ser42Cys; replaces serine 42 with cysteine.
Molecular consequence: missense variant. On other transcripts: non-coding transcript variant (1), intron variant (1).
Genome position (GRCh38, 1-based): chr10:209,897, C>G. VCF-style: chr10-209897-C-G. GRCh37 (hg19) VCF-style: chr10-255837-C-G.
Other names: c.125C>G, p.Ser42Cys (NM_001202464.3, NM_001202465.3, NM_001202466.3 and 24 more transcripts); c.74C>G, p.Ser25Cys (NM_001330057.3, NM_001370112.2, NM_001370123.2); c.59C>G, p.Ser20Cys (NM_001370116.2, NM_001370120.2); c.5C>G, p.Ser2Cys (NM_001370118.2, NM_001370121.2); c.-33-26941C>G (NM_001370124.3); short protein forms S20C, S25C, S2C, S42C.
Identifiers: ClinVar variation 4527919 (VCV004527919.1).

ClinVar aggregate classification (germline): Uncertain significance (1 of 4 stars; one submission).

gnomAD v4.1: 3 of 1,613,106 alleles (0.00019%); highest among the groups gnomAD compares: Non-Finnish European, 0.00025%; no homozygotes.

Submission:

GeneDx
Classification: Uncertain significance. Last evaluated: 2025-04-30. Review status: criteria provided, single submitter. Criteria: GeneDx Variant Classification Process June 2021. Collection method: clinical testing. Allele origin: germline. Affected: yes.
Comment: Not observed at significant frequency in large population cohorts (gnomAD); In silico analysis supports that this missense variant has a deleterious effect on protein structure/function; Has not been previously published as pathogenic or benign to our knowledge